The following is an entry in ClinVar:

NM_003477.2(PDHX):c.-342A>G

Genes: APIP (APAF1 interacting protein; minus strand), PDHX (pyruvate dehydrogenase complex component X; plus strand), LOC130005547 (ATAC-STARR-seq lymphoblastoid silent region 3253; plus strand). Cytogenetic location: 11p13.
Variant type: single nucleotide variant.
Coding change: c.-342A>G on transcript NM_003477.2; 342 bases upstream of the start codon, A replaced by G.
Molecular consequence: 5 prime UTR variant (on NM_015957.4).
Genome position (GRCh38, 1-based): chr11:34,916,314, A>G. VCF-style: chr11-34916314-A-G. GRCh37 (hg19) VCF-style: chr11-34937861-A-G.
Other names: c.-30T>C (NM_015957.4).
Identifiers: ClinVar variation 877365 (VCV000877365.6), dbSNP rs567329509, ClinGen allele CA5945631.

ClinVar aggregate classification (germline): Likely benign (1 of 4 stars; one submission).

Conditions:
Pyruvate dehydrogenase E3-binding protein deficiency (PDHXD). Also called: E3-Binding Protein (Component X) Deficiency; Lacticacidemia due to PDX1 deficiency; PYRUVATE HYDROGENASE E3-BINDING PROTEIN DEFICIENCY; LACTIC ACIDEMIA DUE TO DEFECT IN LIPOYL-CONTAINING COMPONENT X OF THE PYRUVATE DEHYDROGENASE COMPLEX. Identifiers: Orphanet 255182, MedGen C1855553, MONDO:0009503, OMIM 245349.

Allele frequency attached by ClinVar (database versions not stated): gnomAD exomes 0.00026 and 0.00010; 1000 Genomes Project 0.00040; gnomAD 0.00006 and 0.00009; ExAC 0.00031; TOPMed 0.00012; 1000 Genomes Project 30x 0.00047.
gnomAD v4.1: 151 of 1,609,870 alleles (0.0094%); highest among the groups gnomAD compares: East Asian, 0.33%; 1 homozygote.

Submission:

Illumina Laboratory Services, Illumina
Classification: Likely benign for Pyruvate dehydrogenase E3-binding protein deficiency. Last evaluated: 2018-01-13. Review status: criteria provided, single submitter. Criteria: ICSL Variant Classification Criteria 13 December 2019. Collection method: clinical testing. Allele origin: germline.
Comment: This variant was observed in the ICSL laboratory as part of a predisposition screen in an ostensibly healthy population. It had not been previously curated by ICSL or reported in the Human Gene Mutation Database (HGMD: prior to June 1st, 2018), and was therefore a candidate for classification through an automated scoring system. Utilizing variant allele frequency, disease prevalence and penetrance estimates, and inheritance mode, an automated score was calculated to assess if this variant is too frequent to cause the disease. Based on the score and internal cut-off values, a variant classified as likely benign is not then subjected to further curation. The score for this variant resulted in a classification of likely benign for this disease.